The following is an entry in ClinVar:

ClinVar aggregate classification (germline): Benign/Likely benign. Review status: criteria provided, multiple submitters, no conflicts (2 of 4 stars). 9 submissions from 9 submitters: Benign (8); Likely benign (1). Last evaluated 2026-02-04.

Conditions:
Fanconi anemia (FA). Also called: Fanconi's anemia. Identifiers: Orphanet 84, MedGen C0015625, MeSH D005199, MONDO:0019391.
Fanconi anemia complementation group I (FANCI). Also called: FANCI-Related Fanconi Anemia. Identifiers: Orphanet 84, MedGen C1836861, MONDO:0012186, OMIM 609053.

Allele frequency attached by ClinVar (database versions not stated): 1000 Genomes Project 30x 0.35962; 1000 Genomes Project 0.36262; ESP Exome Variant Server 0.36721; TOPMed 0.36766; gnomAD 0.37877 and 0.37913; gnomAD exomes 0.39080 and 0.39335; ExAC 0.39438.
gnomAD v4.1: 594,611 of 1,526,138 alleles (39%); highest among the groups gnomAD compares: South Asian, 40%; 116,651 homozygotes.

Submissions (9):

Labcorp Genetics (formerly Invitae), Labcorp
Classification: Benign for Fanconi anemia. Last evaluated: 2026-02-04. Review status: criteria provided, single submitter. Criteria: Invitae Variant Classification Sherloc (09022015). Collection method: clinical testing. Allele origin: germline.

ARUP Laboratories, Molecular Genetics and Genomics, ARUP Laboratories
Classification: Benign for Fanconi anemia complementation group I. Last evaluated: 2025-07-28. Review status: criteria provided, single submitter. Criteria: ARUP Molecular Germline Variant Investigation Process 2024. Collection method: clinical testing. Allele origin: germline.

Blueprint Genetics
Classification: Likely benign. Last evaluated: 2024-11-27. Review status: criteria provided, single submitter. Criteria: ACMG Guidelines, 2015. Collection method: clinical testing. Allele origin: germline.

KCCC/NGS Laboratory, Kuwait Cancer Control Center
Classification: Benign for Fanconi anemia complementation group I. Last evaluated: 2023-07-07. Review status: criteria provided, single submitter. Criteria: ACMG Guidelines, 2015. Collection method: clinical testing. Allele origin: germline. Affected: yes.

Genome-Nilou Lab
Classification: Benign for Fanconi anemia complementation group I. Last evaluated: 2021-08-10. Review status: criteria provided, single submitter. Criteria: ACMG Guidelines, 2015. Collection method: clinical testing. Allele origin: germline. Affected: no.

GeneDx
Classification: Benign. Last evaluated: 2018-07-09. Review status: criteria provided, single submitter. Criteria: GeneDx Variant Classification Process June 2021. Collection method: clinical testing. Allele origin: germline. Affected: yes.

Illumina Laboratory Services, Illumina
Classification: Benign for Fanconi anemia complementation group I. Last evaluated: 2018-01-13. Review status: criteria provided, single submitter. Criteria: ICSL Variant Classification Criteria 13 December 2019. Collection method: clinical testing. Allele origin: germline.
Comment: This variant was observed in the ICSL laboratory as part of a predisposition screen in an ostensibly healthy population. It had not been previously curated by ICSL or reported in the Human Gene Mutation Database (HGMD: prior to June 1st, 2018), and was therefore a candidate for classification through an automated scoring system. Utilizing variant allele frequency, disease prevalence and penetrance estimates, and inheritance mode, an automated score was calculated to assess if this variant is too frequent to cause the disease. Based on the score and internal cut-off values, a variant classified as benign is not then subjected to further curation. The score for this variant resulted in a classification of benign for this disease.

Breakthrough Genomics
Classification: Benign. Review status: criteria provided, single submitter. Criteria: ACMG Guidelines, 2015. Collection method: not provided. Allele origin: germline. Inheritance: Autosomal recessive inheritance. Affected: yes.

PreventionGenetics, part of Exact Sciences
Classification: Benign. Review status: criteria provided, single submitter. Criteria: ACMG Guidelines, 2015. Collection method: clinical testing. Allele origin: germline.

NM_001113378.2(FANCI):c.3006+15A>C

Gene: FANCI (FA complementation group I; plus strand). Cytogenetic location: 15q26.1.
Variant type: single nucleotide variant.
Coding change: c.3006+15A>C on transcript NM_001113378.2 (MANE Select); 15 bases into the intron after coding-DNA position 3006, A replaced by C.
Molecular consequence: intron variant.
Genome position (GRCh38, 1-based): chr15:89,301,457, A>C. VCF-style: chr15-89301457-A-C. GRCh37 (hg19) VCF-style: chr15-89844688-A-C.
Other names: c.2826+15A>C (NM_018193.3); c.3006+15A>C (NM_001376911.1); c.2727+15A>C (NM_001376910.1).
Identifiers: ClinVar variation 257487 (VCV000257487.23), dbSNP rs2159081, ClinGen allele CA7723539.
Genomic context (GRCh38, chr15:89,301,457, plus strand): 5'-GGTTCTTACCAGTTTGTCCAAGTTACTGGAGCCCTCCTCTCCTCAGGTACTAGTACCGCT[A>C]ACTTAATCCCATTTAGCATTCCTCAGAAGGCAAGGATTATTGCATCATAAAAGTGTATAT-3'